The following is an entry in ClinVar:

ClinVar aggregate classification (germline): Uncertain significance/Uncertain risk allele. Review status: criteria provided, multiple submitters, no conflicts (2 of 4 stars). 2 submissions from 2 submitters: Uncertain significance (1); Uncertain risk allele (1). Last evaluated 2019-02-11.

Conditions:
Wolfram syndrome 1 (WFS1). Identifiers: Orphanet 3463, MedGen C4551693, MONDO:0009101, OMIM 222300.

Submissions (2):

Laboratory for Molecular Medicine, Mass General Brigham Personalized Medicine
Classification: Uncertain significance. Last evaluated: 2019-02-11. Review status: criteria provided, single submitter. Criteria: LMM Criteria. Collection method: clinical testing. Allele origin: germline. Observed: 1 variant allele.
Comment: The p.Trp678Gly variant in WFS1 has not been previously reported in individuals with hearing loss, Wolfram syndrome, or Wolfram-like syndrome and was absent from large population studies. Computational prediction tools and conservation analysis suggest that this variant may impact the protein, though this information is not predictive enough to determine pathogenicity. In summary, the clinical significance of this variant is uncertain. ACMG/AMP Criteria applied: PM2, PP3.

Clinical Genomics, Uppaluri K&H Personalized Medicine Clinic
Classification: Uncertain risk allele for Wolfram syndrome 1. Review status: criteria provided, single submitter. Criteria: K & H Uppaluri Personalized Medicine Clinic Variant Classification & Assertion Criteria_Updated V.1. Collection method: research. Allele origin: unknown. Inheritance: Autosomal recessive inheritance.
Comment: Potent mutations in WFS1 gene are associated with Wolfram's syndrome, an autosomal recessive condition, which cause diabetes mellitus, diabetes insipidus, deafness and optic atrophy.However no sufficient evidence is found to ascertain the role of this particular variant rs1578611784 in Wolfram's syndrome yet.

Literature cited by the submitters: PubMed 20738327 (cited by Clinical Genomics, Uppaluri K&H Personalized Medicine Clinic); PubMed 33879153 (cited by Clinical Genomics, Uppaluri K&H Personalized Medicine Clinic); PubMed 20301750 (cited by Clinical Genomics, Uppaluri K&H Personalized Medicine Clinic); PubMed 17603484 (cited by Clinical Genomics, Uppaluri K&H Personalized Medicine Clinic); PubMed 12955714 (cited by Clinical Genomics, Uppaluri K&H Personalized Medicine Clinic); PubMed 18060660 (cited by Clinical Genomics, Uppaluri K&H Personalized Medicine Clinic).

NM_006005.3(WFS1):c.2032T>G (p.Trp678Gly)

Gene: WFS1 (wolframin ER transmembrane glycoprotein; plus strand). Cytogenetic location: 4p16.1.
Variant type: single nucleotide variant.
Coding change: c.2032T>G on transcript NM_006005.3 (MANE Select); coding-DNA position 2032, T replaced by G.
Protein change: p.Trp678Gly; replaces tryptophan 678 with glycine.
Molecular consequence: missense variant.
Genome position (GRCh38, 1-based): chr4:6,301,827, T>G. VCF-style: chr4-6301827-T-G. GRCh37 (hg19) VCF-style: chr4-6303554-T-G.
Other names: c.2032T>G, p.Trp678Gly (NM_001145853.1); short protein forms W678G.
Identifiers: ClinVar variation 666956 (VCV000666956.6), dbSNP rs1578611784, ClinGen allele CA356177564.